The following is an entry in ClinVar:

NM_000719.7(CACNA1C):c.5330G>A (p.Arg1777His)

Genes: CACNA1C (calcium voltage-gated channel subunit alpha1 C; plus strand), CACNA1C-AS1 (CACNA1C antisense RNA 1; minus strand). Cytogenetic location: 12p13.33.
Variant type: single nucleotide variant.
Coding change: c.5330G>A on transcript NM_000719.7 (MANE Select); coding-DNA position 5330, G replaced by A.
Protein change: p.Arg1777His; replaces arginine 1777 with histidine.
Molecular consequence: missense variant.
Genome position (GRCh38, 1-based): chr12:2,679,682, G>A. VCF-style: chr12-2679682-G-A. GRCh37 (hg19) VCF-style: chr12-2788848-G-A.
Other names: c.5474G>A, p.Arg1825His (NM_001129827.2, NM_199460.4); c.5453G>A, p.Arg1818His (NM_001129829.2); c.5330G>A, p.Arg1777His (NM_001129830.3, NM_001129840.2, NM_001129841.2 and 4 more transcripts); c.5414G>A, p.Arg1805His (NM_001129831.2); c.5390G>A, p.Arg1797His (NM_001129832.2); c.5387G>A, p.Arg1796His (NM_001129833.2, NM_001129834.2, NM_001129835.2); c.5381G>A, p.Arg1794His (NM_001129836.2); c.5354G>A, p.Arg1785His (NM_001129837.2, NM_001129838.2); and 3 more; short protein forms R1777H, R1783H, R1794H, R1805H, R1818H, R1774H, R1785H, R1797H.
Identifiers: ClinVar variation 1414105 (VCV001414105.11), dbSNP rs189719120, ClinGen allele CA6389756.

ClinVar aggregate classification (germline): Conflicting classifications of pathogenicity. Review status: criteria provided, conflicting classifications (1 of 4 stars). 4 submissions from 4 submitters: Uncertain significance (3); Likely benign (1). Last evaluated 2025-12-23.

Conditions:
Cardiovascular phenotype. Identifiers: MedGen CN230736.
Long QT syndrome (LQTS). Identifiers: MedGen C0023976, MeSH D008133, MONDO:0002442. Disease mechanism: loss of function. Inheritance: Various modes of inheritance.

Allele frequency attached by ClinVar (database versions not stated): ExAC 0.00001; gnomAD 0.00001; gnomAD exomes 0.00001; TOPMed 0.00001; 1000 Genomes Project 30x 0.00016; 1000 Genomes Project 0.00020.
gnomAD v4.1: 10 of 1,612,900 alleles (0.00062%); highest among the groups gnomAD compares: Admixed American, 0.005%; no homozygotes.

Submissions (4):

Labcorp Genetics (formerly Invitae), Labcorp
Classification: Likely benign for Long QT syndrome. Last evaluated: 2025-12-23. Review status: criteria provided, single submitter. Criteria: Invitae Variant Classification Sherloc (09022015). Collection method: clinical testing. Allele origin: germline.

Ambry Genetics
Classification: Uncertain significance for Cardiovascular phenotype. Last evaluated: 2025-09-09. Review status: criteria provided, single submitter. Criteria: Ambry Variant Classification Scheme 2023. Collection method: clinical testing. Allele origin: germline.
Comment: The p.R1777H variant (also known as c.5330G>A), located in coding exon 42 of the CACNA1C gene, results from a G to A substitution at nucleotide position 5330. The arginine at codon 1777 is replaced by histidine, an amino acid with highly similar properties. This amino acid position is well conserved in available vertebrate species. In addition, the in silico prediction for this alteration is inconclusive. Since supporting evidence is limited at this time, the clinical significance of this alteration remains unclear.

Women's Health and Genetics/Laboratory Corporation of America, LabCorp
Classification: Uncertain significance. Last evaluated: 2023-11-13. Review status: criteria provided, single submitter. Criteria: LabCorp Variant Classification Summary - May 2015. Collection method: clinical testing. Allele origin: germline.
Comment: Variant summary: CACNA1C c.5330G>A (p.Arg1777His) results in a non-conservative amino acid change in the encoded protein sequence. Three of five in-silico tools predict a damaging effect of the variant on protein function. The variant allele was found at a frequency of 6.2e-06 in 1612900 control chromosomes, predominantly at a frequency of 5e-05 within the Latino subpopulation in the gnomAD database. The available data on variant occurrences in the general population are insufficient to allow any conclusion about variant significance. To our knowledge, no occurrence of c.5330G>A in individuals affected with Timothy Syndrome and no experimental evidence demonstrating its impact on protein function have been reported. Two submitters have cited clinical-significance assessments for this variant to ClinVar after 2014. All submitters classified the variant as uncertain significance. Based on the evidence outlined above, the variant was classified as uncertain significance.

Breakthrough Genomics
Classification: Uncertain significance. Review status: criteria provided, single submitter. Criteria: ACMG Guidelines, 2015. Collection method: not provided. Allele origin: germline. Inheritance: Autosomal dominant inheritance. Affected: yes.